The following is an entry in ClinVar:

ClinVar aggregate classification (germline): Likely benign. Review status: criteria provided, multiple submitters, no conflicts (2 of 4 stars). 2 submissions from 2 submitters: Likely benign (2). Last evaluated 2025-05-18.

Conditions:
Autosomal recessive limb-girdle muscular dystrophy type 2J (LGMDR10). Also called: Limb-girdle muscular dystrophy, type 2J; MUSCULAR DYSTROPHY, LIMB-GIRDLE, AUTOSOMAL RECESSIVE 10. Identifiers: Orphanet 140922, MedGen C1837342, MONDO:0012127, OMIM 608807.
Dilated cardiomyopathy 1G (CMD1G). Identifiers: Orphanet 154, MedGen C1858763, MONDO:0011400, OMIM 604145.

Allele frequency attached by ClinVar (database versions not stated): gnomAD 0.00001.
gnomAD v4.1: 2 of 1,613,338 alleles (0.00012%); highest among the groups gnomAD compares: Non-Finnish European, 0.00017%; no homozygotes.

Submissions (2):

Labcorp Genetics (formerly Invitae), Labcorp
Classification: Likely benign for Dilated cardiomyopathy 1G; Autosomal recessive limb-girdle muscular dystrophy type 2J. Last evaluated: 2025-05-18. Review status: criteria provided, single submitter. Criteria: Invitae Variant Classification Sherloc (09022015). Collection method: clinical testing. Allele origin: germline.

CeGaT Center for Human Genetics Tuebingen
Classification: Likely benign. Last evaluated: 2024-09-01. Review status: criteria provided, single submitter. Criteria: CeGaT Center For Human Genetics Tuebingen Variant Classification Criteria Version 2. Collection method: clinical testing. Allele origin: germline. Affected: yes. Observed: 1 variant allele.
Comment: TTN: BP4, BP7

NM_001267550.2(TTN):c.75519T>C (p.Asp25173=)

Genes: TTN (titin; minus strand), TTN-AS1 (TTN antisense RNA 1; plus strand). Cytogenetic location: 2q31.2.
Variant type: single nucleotide variant.
Coding change: c.75519T>C on transcript NM_001267550.2 (MANE Select); coding-DNA position 75519, T replaced by C.
Protein change: p.Asp25173=; no amino-acid change (aspartic acid 25173 retained).
Molecular consequence: synonymous variant.
Genome position (GRCh38, 1-based): chr2:178,570,613, A>G on the plus strand (T>C on the coding strand, the complement: TTN is on the minus strand). VCF-style: chr2-178570613-A-G. GRCh37 (hg19) VCF-style: chr2-179435340-A-G.
Other names: c.70596T>C, p.Asp23532= (NM_001256850.1); c.48324T>C, p.Asp16108= (NM_003319.4); c.67815T>C, p.Asp22605= (NM_133378.4); c.48699T>C, p.Asp16233= (NM_133432.3); c.48900T>C, p.Asp16300= (NM_133437.4).
Identifiers: ClinVar variation 1612641 (VCV001612641.22), dbSNP rs1707836839, ClinGen allele CA430254942.